The following is an entry in ClinVar:

NM_052947.4(ALPK2):c.1409G>A (p.Arg470Lys)

Gene: ALPK2 (alpha kinase 2; minus strand). Cytogenetic location: 18q21.31.
Variant type: single nucleotide variant.
Coding change: c.1409G>A on transcript NM_052947.4 (MANE Select); coding-DNA position 1409, G replaced by A.
Protein change: p.Arg470Lys; replaces arginine 470 with lysine.
Molecular consequence: missense variant.
Genome position (GRCh38, 1-based): chr18:58,579,367, C>T on the plus strand (G>A on the coding strand, the complement: ALPK2 is on the minus strand). VCF-style: chr18-58579367-C-T. GRCh37 (hg19) VCF-style: chr18-56246599-C-T.
Other names: short protein forms R470K.
Identifiers: ClinVar variation 2497256 (VCV002497256.2), dbSNP rs1043484388, ClinGen allele CA300927140.

ClinVar aggregate classification (germline): Uncertain significance (1 of 4 stars; one submission).

Allele frequency attached by ClinVar (database versions not stated): gnomAD 0.00001; gnomAD exomes 0.00001; TOPMed 0.00004.
gnomAD v4.1: 10 of 1,614,058 alleles (0.00062%); highest among the groups gnomAD compares: Non-Finnish European, 0.00085%; no homozygotes.

Submission:

Ambry Genetics
Classification: Uncertain significance. Last evaluated: 2022-12-15. Review status: criteria provided, single submitter. Criteria: Ambry Variant Classification Scheme 2023. Collection method: clinical testing. Allele origin: germline.
Comment: The p.R470K variant (also known as c.1409G>A), located in coding exon 3 of the ALPK2 gene, results from a G to A substitution at nucleotide position 1409. The arginine at codon 470 is replaced by lysine, an amino acid with highly similar properties. This amino acid position is conserved. In addition, this alteration is predicted to be tolerated by in silico analysis. Since supporting evidence is limited at this time, the clinical significance of this alteration remains unclear.